The following is an entry in ClinVar:

NM_198525.3(KIF7):c.376G>A (p.Glu126Lys)

Gene: KIF7 (kinesin family member 7; minus strand). Cytogenetic location: 15q26.1.
Variant type: single nucleotide variant.
Coding change: c.376G>A on transcript NM_198525.3 (MANE Select); coding-DNA position 376, G replaced by A.
Protein change: p.Glu126Lys; replaces glutamic acid 126 with lysine.
Molecular consequence: missense variant.
Genome position (GRCh38, 1-based): chr15:89,649,894, C>T on the plus strand (G>A on the coding strand, the complement: KIF7 is on the minus strand). VCF-style: chr15-89649894-C-T. GRCh37 (hg19) VCF-style: chr15-90193125-C-T.
Other names: short protein forms E126K.
Identifiers: ClinVar variation 317381 (VCV000317381.9), dbSNP rs886051544, ClinGen allele CA10636665.

ClinVar aggregate classification (germline): Uncertain significance. Review status: criteria provided, multiple submitters, no conflicts (2 of 4 stars). 4 submissions from 4 submitters: Uncertain significance (4). Last evaluated 2024-10-14.

Conditions:
Inborn genetic diseases. Identifiers: MedGen C0950123, MeSH D030342.
Acrocallosal syndrome (ACLS). Also called: HALLUX DUPLICATION, POSTAXIAL POLYDACTYLY, AND ABSENCE OF CORPUS CALLOSUM; Schinzel syndrome 1; Absence of corpus callosum with unusual facial appearance, mental deficiency, duplication of the halluces and polydactyly. Identifiers: Orphanet 36, MedGen C0796147, MONDO:0008708, OMIM 200990.

Allele frequency attached by ClinVar (database versions not stated): gnomAD exomes 0.00003; gnomAD 0.00004 and 0.00006; TOPMed 0.00006.
gnomAD v4.1: 88 of 1,551,712 alleles (0.0057%); highest among the groups gnomAD compares: Non-Finnish European, 0.0069%; no homozygotes.

Submissions (4):

Blueprint Genetics
Classification: Uncertain significance. Last evaluated: 2024-10-14. Review status: criteria provided, single submitter. Criteria: ACMG Guidelines, 2015. Collection method: clinical testing. Allele origin: germline.

Ambry Genetics
Classification: Uncertain significance for Inborn genetic diseases. Last evaluated: 2024-04-19. Review status: criteria provided, single submitter. Criteria: Ambry Variant Classification Scheme 2023. Collection method: clinical testing. Allele origin: germline.

Labcorp Genetics (formerly Invitae), Labcorp
Classification: Uncertain significance for Acrocallosal syndrome. Last evaluated: 2024-01-29. Review status: criteria provided, single submitter. Criteria: Invitae Variant Classification Sherloc (09022015). Collection method: clinical testing. Allele origin: germline.
Comment: This sequence change replaces glutamic acid, which is acidic and polar, with lysine, which is basic and polar, at codon 126 of the KIF7 protein (p.Glu126Lys). This variant is present in population databases (no rsID available, gnomAD 0.005%). This variant has not been reported in the literature in individuals affected with KIF7-related conditions. ClinVar contains an entry for this variant (Variation ID: 317381). Advanced modeling of protein sequence and biophysical properties (such as structural, functional, and spatial information, amino acid conservation, physicochemical variation, residue mobility, and thermodynamic stability) has been performed at Invitae for this missense variant, however the output from this modeling did not meet the statistical confidence thresholds required to predict the impact of this variant on KIF7 protein function. In summary, the available evidence is currently insufficient to determine the role of this variant in disease. Therefore, it has been classified as a Variant of Uncertain Significance.

Illumina Laboratory Services, Illumina
Classification: Uncertain significance for Acrocallosal syndrome. Last evaluated: 2018-01-13. Review status: criteria provided, single submitter. Criteria: ICSL Variant Classification Criteria 13 December 2019. Collection method: clinical testing. Allele origin: germline.